The following is an entry in ClinVar:

ClinVar aggregate classification (germline): Uncertain significance (1 of 4 stars; one submission).

Conditions:
VMA21-related disorder. Also called: VMA21-related condition.

gnomAD v4.1: 9 of 502,220 alleles (0.0018%); highest among the groups gnomAD compares: East Asian, 0.03%; no homozygotes.

Submission:

PreventionGenetics, part of Exact Sciences
Classification: Uncertain significance for VMA21-related condition. Last evaluated: 2026-06-18. Review status: criteria provided, single submitter. Criteria: ACMG Guidelines, 2015. Collection method: clinical testing. Allele origin: germline.
Comment: The VMA21 c.194G>T variant is predicted to result in the amino acid substitution p.Gly65Val. To our knowledge, this variant has not been reported in the literature. This variant is reported in 0.015% of alleles in individuals of East Asian descent in gnomAD. Although we suspect that this variant may be benign, at this time, the clinical significance of this variant is uncertain due to the absence of conclusive functional and genetic evidence.

NM_001363810.1(VMA21):c.194G>T (p.Gly65Val)

Gene: VMA21 (vacuolar ATPase assembly factor VMA21; plus strand). Cytogenetic location: Xq28.
Variant type: single nucleotide variant.
Coding change: c.194G>T on transcript NM_001363810.1; coding-DNA position 194, G replaced by T.
Protein change: p.Gly65Val; replaces glycine 65 with valine.
Molecular consequence: missense variant.
Genome position (GRCh38, 1-based): chrX:151,397,033, G>T. VCF-style: chrX-151397033-G-T. GRCh37 (hg19) VCF-style: chrX-150565505-G-T.
Other names: short protein forms G65V.
Identifiers: ClinVar variation 4984909 (VCV004984909.1).